The following is an entry in ClinVar:

NM_000057.4(BLM):c.2618A>G (p.Lys873Arg)

Gene: BLM (BLM RecQ like helicase; plus strand). Cytogenetic location: 15q26.1.
Variant type: single nucleotide variant.
Coding change: c.2618A>G on transcript NM_000057.4 (MANE Select); coding-DNA position 2618, A replaced by G.
Protein change: p.Lys873Arg; replaces lysine 873 with arginine.
Molecular consequence: missense variant.
Genome position (GRCh38, 1-based): chr15:90,782,884, A>G. VCF-style: chr15-90782884-A-G. GRCh37 (hg19) VCF-style: chr15-91326114-A-G.
Other names: c.2618A>G, p.Lys873Arg (NM_001287246.2, NM_001287247.2); c.1493A>G, p.Lys498Arg (NM_001287248.2); short protein forms K873R, K498R.
Identifiers: ClinVar variation 2566807 (VCV002566807.2), dbSNP rs771826270, ClinGen allele CA393845727.

ClinVar aggregate classification (germline): Uncertain significance (1 of 4 stars; one submission).

Conditions:
Hereditary cancer-predisposing syndrome. Also called: Hereditary neoplastic syndrome; Hereditary Cancer Syndrome; Neoplastic Syndromes, Hereditary; Tumor predisposition. Identifiers: Orphanet 140162, MedGen C0027672, MeSH D009386, MONDO:0015356.

Submission:

Ambry Genetics
Classification: Uncertain significance for Hereditary cancer-predisposing syndrome. Last evaluated: 2023-03-26. Review status: criteria provided, single submitter. Criteria: Ambry Variant Classification Scheme 2023. Collection method: clinical testing. Allele origin: germline.
Comment: The p.K873R variant (also known as c.2618A>G), located in coding exon 12 of the BLM gene, results from an A to G substitution at nucleotide position 2618. The lysine at codon 873 is replaced by arginine, an amino acid with highly similar properties. This amino acid position is conserved. In addition, this alteration is predicted to be tolerated by in silico analysis. Since supporting evidence is limited at this time, the clinical significance of this alteration remains unclear.